The following is an entry in ClinVar:

ClinVar aggregate classification (germline): Uncertain significance (1 of 4 stars; one submission).

Submission:

Labcorp Genetics (formerly Invitae), Labcorp
Classification: Uncertain significance. Last evaluated: 2021-08-19. Review status: criteria provided, single submitter. Criteria: Invitae Variant Classification Sherloc (09022015). Collection method: clinical testing. Allele origin: germline.
Comment: In summary, the available evidence is currently insufficient to determine the role of this variant in disease. Therefore, it has been classified as a Variant of Uncertain Significance. This variant disrupts a region of the GTPBP3 protein in which other variant(s) (p.Glu491Lys) have been observed in individuals with GTPBP3-related conditions (PMID: 25434004). This suggests that this is a clinically significant region of the protein, and that variants that disrupt it are likely to be disease-causing. This variant has not been reported in the literature in individuals affected with GTPBP3-related conditions. This variant is not present in population databases (ExAC no frequency). This sequence change creates a premature translational stop signal (p.Gln482Argfs*19) in the GTPBP3 gene. While this is not anticipated to result in nonsense mediated decay, it is expected to disrupt the last 43 amino acid(s) of the GTPBP3 protein.

Literature cited by the submitters: PubMed 25434004.

NM_032620.4(GTPBP3):c.1349del (p.Gln450fs)

Gene: GTPBP3 (GTP binding protein 3, mitochondrial; plus strand). Cytogenetic location: 19p13.11.
Variant type: Deletion.
Coding change: c.1349del on transcript NM_032620.4 (MANE Select); coding-DNA position 1349, one base deleted (A; older notation c.1349delA).
Protein change: p.Gln450fs; shifts the reading frame from glutamine 450.
Molecular consequence: frameshift variant.
Genome position (GRCh38, 1-based): chr19:17,341,573, A deleted. VCF-style (leftmost placement, unchanged base first): chr19-17341572-CA-C. GRCh37 (hg19) VCF-style: chr19-17452381-CA-C.
Other names: c.1286del, p.Gln429fs (NM_001128855.3); c.1415del, p.Gln472fs (NM_001195422.1); c.1445del, p.Gln482fs (NM_133644.4); short protein forms Q429fs, Q450fs, Q472fs, Q482fs.
Identifiers: ClinVar variation 1483422 (VCV001483422.6), dbSNP rs2145707103, ClinGen allele CA2573156148.